The following is an entry in ClinVar:

ClinVar aggregate classification (germline): Uncertain significance. Review status: criteria provided, single submitter (1 of 4 stars). 2 submissions from 2 submitters: Uncertain significance (1). 1 of the submissions does not count toward it. Last evaluated 2022-03-10.

Conditions:
Bardet-Biedl syndrome 2 (BBS2). Identifiers: Orphanet 110, MedGen C2936863, MONDO:0014432, OMIM 615981.
Bardet-Biedl syndrome (BBS). Identifiers: Orphanet 110, MedGen C0752166, MONDO:0015229.

Allele frequency attached by ClinVar (database versions not stated): TOPMed below 0.00001.

Submissions (2):

Labcorp Genetics (formerly Invitae), Labcorp
Classification: Uncertain significance for Bardet-Biedl syndrome. Last evaluated: 2022-03-10. Review status: criteria provided, single submitter. Criteria: Invitae Variant Classification Sherloc (09022015). Collection method: clinical testing. Allele origin: germline.
Comment: This sequence change replaces glycine, which is neutral and non-polar, with arginine, which is basic and polar, at codon 182 of the BBS2 protein (p.Gly182Arg). This variant is not present in population databases (gnomAD no frequency). This variant has not been reported in the literature in individuals affected with BBS2-related conditions. ClinVar contains an entry for this variant (Variation ID: 999139). Algorithms developed to predict the effect of missense changes on protein structure and function (SIFT, PolyPhen-2, Align-GVGD) all suggest that this variant is likely to be disruptive. In summary, the available evidence is currently insufficient to determine the role of this variant in disease. Therefore, it has been classified as a Variant of Uncertain Significance.

Natera, Inc.
Classification: Uncertain significance for Bardet-Biedl syndrome type 2. Last evaluated: 2025-03-11. Review status: no assertion criteria provided. Collection method: clinical testing. Allele origin: germline. Not counted in ClinVar's aggregate classification.

NM_031885.5(BBS2):c.544G>C (p.Gly182Arg)

Gene: BBS2 (Bardet-Biedl syndrome 2; minus strand). Cytogenetic location: 16q13.
Variant type: single nucleotide variant.
Coding change: c.544G>C on transcript NM_031885.5 (MANE Select); coding-DNA position 544, G replaced by C.
Protein change: p.Gly182Arg; replaces glycine 182 with arginine.
Molecular consequence: missense variant. On other transcripts: non-coding transcript variant (5).
Genome position (GRCh38, 1-based): chr16:56,510,025, C>G on the plus strand (G>C on the coding strand, the complement: BBS2 is on the minus strand). VCF-style: chr16-56510025-C-G. GRCh37 (hg19) VCF-style: chr16-56543937-C-G.
Other names: c.544G>C, p.Gly182Arg (NM_001377456.1); c.544G>C (NM_031885.3); short protein forms G182R.
Identifiers: ClinVar variation 999139 (VCV000999139.7), dbSNP rs1964532476, ClinGen allele CA395984113.
Genomic context (GRCh38, chr16:56,510,025, plus strand): 5'-CTGTCATTTCTGCCACAATCTCATCTTCCTTAAAAACTCGGATATCAAAATCCTCAGATC[C>G]AACAAGAAGCTGAAGGGGAAATATCATACATGTTCAGGTGAGTAAGTGCAAACAACAAAA-3'
Protein context (NP_114091.4, residues 172-192): DGDGKKELLV[Gly182Arg]SEDFDIRVFK